The following is an entry in ClinVar:

NM_018474.6(KIZ):c.1364C>T (p.Thr455Ile)

Genes: KIZ (kizuna centrosomal protein; plus strand), KIZ-AS1 (KIZ antisense RNA 1; minus strand). Cytogenetic location: 20p11.23.
Variant type: single nucleotide variant.
Coding change: c.1364C>T on transcript NM_018474.6 (MANE Select); coding-DNA position 1364, C replaced by T.
Protein change: p.Thr455Ile; replaces threonine 455 with isoleucine.
Molecular consequence: missense variant.
Genome position (GRCh38, 1-based): chr20:21,205,502, C>T. VCF-style: chr20-21205502-C-T. GRCh37 (hg19) VCF-style: chr20-21186141-C-T.
Other names: c.1055C>T, p.Thr352Ile (NM_001163022.3, NM_001352435.2); c.965C>T, p.Thr322Ile (NM_001163023.3); c.1217C>T, p.Thr406Ile (NM_001276389.2); c.1364C>T, p.Thr455Ile (NM_001352434.2); c.1022C>T, p.Thr341Ile (NM_001352436.2); short protein forms T406I, T341I, T352I, T455I, T322I.
Identifiers: ClinVar variation 2005101 (VCV002005101.4), dbSNP rs2514801441, ClinGen allele CA408489063.
Genomic context (GRCh38, chr20:21,205,502, plus strand): 5'-TCTTATAATATTACAAATCTATAGTGAGTGTCCTGTTTCTGTTTTATAGACCTGGACAAA[C>T]ACCAGACTCAGACGTACCGAGGGCACAGGTGGGTCAGCATGTTGCCACCTTGAAAGAACA-3'
Protein context (NP_060944.3, residues 445-465): TNAPTREPGQ[Thr455Ile]PDSDVPRAQV

ClinVar aggregate classification (germline): Uncertain significance (1 of 4 stars; one submission).

Allele frequency attached by ClinVar (database versions not stated): gnomAD exomes below 0.00001.
gnomAD v4.1: 1 of 1,492,800 alleles (0.000067%); highest among the groups gnomAD compares: Admixed American, 0.0018%; no homozygotes.

Submission:

Labcorp Genetics (formerly Invitae), Labcorp
Classification: Uncertain significance. Last evaluated: 2024-02-09. Review status: criteria provided, single submitter. Criteria: Invitae Variant Classification Sherloc (09022015). Collection method: clinical testing. Allele origin: germline.
Comment: This sequence change replaces threonine, which is neutral and polar, with isoleucine, which is neutral and non-polar, at codon 455 of the KIZ protein (p.Thr455Ile). This variant is not present in population databases (gnomAD no frequency). This variant has not been reported in the literature in individuals affected with KIZ-related conditions. ClinVar contains an entry for this variant (Variation ID: 2005101). Experimental studies and prediction algorithms are not available or were not evaluated, and the functional significance of this variant is currently unknown. In summary, the available evidence is currently insufficient to determine the role of this variant in disease. Therefore, it has been classified as a Variant of Uncertain Significance.